The following is an entry in ClinVar:

ClinVar aggregate classification (germline): Likely pathogenic (1 of 4 stars; one submission).

Conditions:
Developmental and epileptic encephalopathy, 85, with or without midline brain defects. Also called: EPILEPTIC ENCEPHALOPATHY, EARLY INFANTILE, 85, WITH OR WITHOUT MIDLINE BRAIN DEFECTS. Identifiers: MedGen C5393312, MONDO:0026771, OMIM 301044.

Submission:

Institute of Human Genetics, University of Leipzig Medical Center
Classification: Likely pathogenic for Developmental and epileptic encephalopathy, 85, with or without midline brain defects. Last evaluated: 2023-07-28. Review status: criteria provided, single submitter. Criteria: ACMG Guidelines, 2015. Collection method: clinical testing. Allele origin: unknown. Inheritance: X-linked dominant inheritance. Affected: yes.
Comment: Criteria applied: PVS1,PM2_SUP

NM_006306.4(SMC1A):c.3040C>T (p.Gln1014Ter)

Gene: SMC1A (structural maintenance of chromosomes 1A; minus strand). Cytogenetic location: Xp11.22.
Variant type: single nucleotide variant.
Coding change: c.3040C>T on transcript NM_006306.4 (MANE Select); coding-DNA position 3040, C replaced by T.
Protein change: p.Gln1014Ter; replaces glutamine 1014 with a stop codon.
Molecular consequence: nonsense.
Genome position (GRCh38, 1-based): chrX:53,383,187, G>A on the plus strand (C>T on the coding strand, the complement: SMC1A is on the minus strand). VCF-style: chrX-53383187-G-A. GRCh37 (hg19) VCF-style: chrX-53410108-G-A.
Other names: c.2974C>T, p.Gln992Ter (NM_001281463.1); short protein forms Q1014*, Q992*.
Identifiers: ClinVar variation 2576567 (VCV002576567.2), dbSNP rs2520828613, ClinGen allele CA413245685.